The following is an entry in ClinVar:

ClinVar aggregate classification (germline): Likely pathogenic (1 of 4 stars; one submission).

Conditions:
Autosomal recessive nonsyndromic hearing loss 6. Also called: NEUROSENSORY NONSYNDROMIC RECESSIVE DEAFNESS 6. Identifiers: Orphanet 90636, MedGen C1832992, MONDO:0010965, OMIM 600971.

Submission:

Institute of Rare Diseases, West China Hospital, Sichuan University
Classification: Likely pathogenic for Autosomal recessive nonsyndromic hearing loss 6. Last evaluated: 2025-01-09. Review status: criteria provided, single submitter. Criteria: ClinGen HL ACMG Specifications v1. Collection method: research. Allele origin: germline. Affected: yes.
Comment: PVS1;PM2_Supporting

NM_147196.3(TMIE):c.87_88insT (p.Val30fs)

Gene: TMIE (transmembrane inner ear; plus strand). Cytogenetic location: 3p21.31.
Variant type: Insertion.
Coding change: c.87_88insT on transcript NM_147196.3 (MANE Select); coding-DNA positions 87 to 88, T inserted.
Protein change: p.Val30fs; shifts the reading frame from valine 30.
Molecular consequence: frameshift variant. On other transcripts: intron variant (2).
Genome position: GRCh38 VCF-style: chr3-46701574-G-GT. GRCh37 (hg19) VCF-style: chr3-46743064-G-GT.
Other names: c.-66-4216_-66-4215insT (NM_001370524.1, NM_001370525.1); short protein forms V30fs.
Identifiers: ClinVar variation 3601928 (VCV003601928.1).